The following is an entry in ClinVar:

NM_033028.5(BBS4):c.952C>T (p.Gln318Ter)

Gene: BBS4 (Bardet-Biedl syndrome 4; plus strand). Cytogenetic location: 15q24.1.
Variant type: single nucleotide variant.
Coding change: c.952C>T on transcript NM_033028.5 (MANE Select); coding-DNA position 952, C replaced by T.
Protein change: p.Gln318Ter; replaces glutamine 318 with a stop codon.
Molecular consequence: nonsense. On other transcripts: non-coding transcript variant (2).
Genome position (GRCh38, 1-based): chr15:72,731,642, C>T. VCF-style: chr15-72731642-C-T. GRCh37 (hg19) VCF-style: chr15-73023983-C-T.
Other names: c.436C>T, p.Gln146Ter (NM_001252678.2); c.883C>T, p.Gln295Ter (NM_001320665.2); short protein forms Q146*, Q295*, Q318*.
Identifiers: ClinVar variation 1068968 (VCV001068968.7), dbSNP rs1567430070, ClinGen allele CA393078913.
Genomic context (GRCh38, chr15:72,731,642, plus strand): 5'-TACTTGGCACCCTTTGATTGGAAGATTCTGTATAATTTGGGCCTTGTCCATTTGACCATG[C>T]AGCAGTATGCATCAGCTTTTCATTTTCTCAGTGCGGCCATCAACTTCCAGCCAAAGATGG-3'

ClinVar aggregate classification (germline): Pathogenic (1 of 4 stars; one submission).

Conditions:
Bardet-Biedl syndrome (BBS). Identifiers: Orphanet 110, MedGen C0752166, MONDO:0015229.

Submission:

Labcorp Genetics (formerly Invitae), Labcorp
Classification: Pathogenic for Bardet-Biedl syndrome. Last evaluated: 2020-08-21. Review status: criteria provided, single submitter. Criteria: Invitae Variant Classification Sherloc (09022015). Collection method: clinical testing. Allele origin: germline.
Comment: This variant is not present in population databases (ExAC no frequency). This sequence change creates a premature translational stop signal (p.Gln318*) in the BBS4 gene. It is expected to result in an absent or disrupted protein product. For these reasons, this variant has been classified as Pathogenic. Loss-of-function variants in BBS4 are known to be pathogenic (PMID: 11381270, 12016587, 20177705, 27894351). This variant has not been reported in the literature in individuals with BBS4-related conditions.

Literature cited by the submitters: PubMed 11381270; PubMed 12016587; PubMed 20177705; PubMed 27894351.